The following is an entry in ClinVar:

ClinVar aggregate classification (germline): Uncertain significance. Review status: criteria provided, multiple submitters, no conflicts (2 of 4 stars). 2 submissions from 2 submitters: Uncertain significance (2). Last evaluated 2025-07-31.

Conditions:
Maple syrup urine disease (MSUD). Identifiers: Orphanet 511, MedGen C0024776, MeSH D008375, MONDO:0009563. Disease mechanism: loss of function.
Inborn genetic diseases. Identifiers: MedGen C0950123, MeSH D030342.

Allele frequency attached by ClinVar (database versions not stated): TOPMed below 0.00001; gnomAD 0.00002; gnomAD exomes 0.00002.
gnomAD v4.1: 36 of 1,597,148 alleles (0.0023%); highest among the groups gnomAD compares: Non-Finnish European, 0.0029%; no homozygotes.

Submissions (2):

Ambry Genetics
Classification: Uncertain significance for Inborn genetic diseases. Last evaluated: 2025-07-31. Review status: criteria provided, single submitter. Criteria: Ambry Variant Classification Scheme 2023. Collection method: clinical testing. Allele origin: germline.

Labcorp Genetics (formerly Invitae), Labcorp
Classification: Uncertain significance for Maple syrup urine disease. Last evaluated: 2022-07-21. Review status: criteria provided, single submitter. Criteria: Invitae Variant Classification Sherloc (09022015). Collection method: clinical testing. Allele origin: germline.
Comment: This sequence change replaces isoleucine, which is neutral and non-polar, with methionine, which is neutral and non-polar, at codon 242 of the BCKDHB protein (p.Ile242Met). This variant is present in population databases (no rsID available, gnomAD 0.004%). This variant has not been reported in the literature in individuals affected with BCKDHB-related conditions. Algorithms developed to predict the effect of missense changes on protein structure and function are either unavailable or do not agree on the potential impact of this missense change (SIFT: "Deleterious"; PolyPhen-2: "Benign"; Align-GVGD: "Class C0"). In summary, the available evidence is currently insufficient to determine the role of this variant in disease. Therefore, it has been classified as a Variant of Uncertain Significance.

NM_183050.4(BCKDHB):c.726A>G (p.Ile242Met)

Gene: BCKDHB (branched chain keto acid dehydrogenase E1 subunit beta; plus strand). Cytogenetic location: 6q14.1.
Variant type: single nucleotide variant.
Coding change: c.726A>G on transcript NM_183050.4 (MANE Select); coding-DNA position 726, A replaced by G.
Protein change: p.Ile242Met; replaces isoleucine 242 with methionine.
Molecular consequence: missense variant. On other transcripts: non-coding transcript variant (1).
Genome position (GRCh38, 1-based): chr6:80,171,374, A>G. VCF-style: chr6-80171374-A-G. GRCh37 (hg19) VCF-style: chr6-80881091-A-G.
Other names: c.726A>G (NM_183050.2); c.726A>G, p.Ile242Met (NM_000056.5); c.516A>G, p.Ile172Met (NM_001318975.1); short protein forms I242M, I172M.
Identifiers: ClinVar variation 2157001 (VCV002157001.2), dbSNP rs1278834715, ClinGen allele CA364658754.